The following is an entry in ClinVar:

ClinVar aggregate classification (germline): Uncertain significance (1 of 4 stars; one submission).

Conditions:
Schuurs-Hoeijmakers syndrome. Also called: PACS1-Related Neurodevelopmental Disorder. Identifiers: Orphanet 329224, MedGen C3554343, MONDO:0014006, OMIM 615009.

gnomAD v4.1: 4 of 1,613,394 alleles (0.00025%); highest among the groups gnomAD compares: Non-Finnish European, 0.00034%; no homozygotes.

Submission:

Labcorp Genetics (formerly Invitae), Labcorp
Classification: Uncertain significance for Schuurs-Hoeijmakers syndrome. Last evaluated: 2024-05-09. Review status: criteria provided, single submitter. Criteria: Invitae Variant Classification Sherloc (09022015). Collection method: clinical testing. Allele origin: germline.
Comment: This sequence change replaces serine, which is neutral and polar, with glycine, which is neutral and non-polar, at codon 934 of the PACS1 protein (p.Ser934Gly). This variant is not present in population databases (gnomAD no frequency). This variant has not been reported in the literature in individuals affected with PACS1-related conditions. Advanced modeling of protein sequence and biophysical properties (such as structural, functional, and spatial information, amino acid conservation, physicochemical variation, residue mobility, and thermodynamic stability) performed at Invitae indicates that this missense variant is not expected to disrupt PACS1 protein function with a negative predictive value of 80%. In summary, the available evidence is currently insufficient to determine the role of this variant in disease. Therefore, it has been classified as a Variant of Uncertain Significance.

NM_018026.4(PACS1):c.2800A>G (p.Ser934Gly)

Gene: PACS1 (phosphofurin acidic cluster sorting protein 1; plus strand). Cytogenetic location: 11q13.2.
Variant type: single nucleotide variant.
Coding change: c.2800A>G on transcript NM_018026.4 (MANE Select); coding-DNA position 2800, A replaced by G.
Protein change: p.Ser934Gly; replaces serine 934 with glycine.
Molecular consequence: missense variant.
Genome position (GRCh38, 1-based): chr11:66,243,188, A>G. VCF-style: chr11-66243188-A-G. GRCh37 (hg19) VCF-style: chr11-66010659-A-G.
Other names: short protein forms S934G.
Identifiers: ClinVar variation 3671611 (VCV003671611.2).